The following is an entry in ClinVar:

NM_001165963.4(SCN1A):c.3705+6T>C

Genes: SCN1A (sodium voltage-gated channel alpha subunit 1; minus strand), LOC102724058 (uncharacterized LOC102724058; plus strand). Cytogenetic location: 2q24.3.
Variant type: single nucleotide variant.
Coding change: c.3705+6T>C on transcript NM_001165963.4 (MANE Select); 6 bases into the intron after coding-DNA position 3705, T replaced by C.
Molecular consequence: intron variant.
Genome position (GRCh38, 1-based): chr2:166,013,738, A>G on the plus strand (T>C on the coding strand, the complement: SCN1A is on the minus strand). VCF-style: chr2-166013738-A-G. GRCh37 (hg19) VCF-style: chr2-166870248-A-G.
Other names: c.3672+6T>C (NM_001353949.2, NM_001353950.2, NM_001353951.2 and 2 more transcripts); c.3621+6T>C (NM_001353958.2, NM_001353957.2, NM_001165964.3); c.3705+6T>C (NM_001202435.3, NM_001353948.2); c.3669+6T>C (NM_001353955.2, NM_001353954.2); c.3618+6T>C (NM_001353960.2); c.1263+6T>C (NM_001353961.2).
Identifiers: ClinVar variation 1005555 (VCV001005555.12), dbSNP rs1692854443, ClinGen allele CA1304842828.

ClinVar aggregate classification (germline): Uncertain significance. Review status: criteria provided, multiple submitters, no conflicts (2 of 4 stars). 2 submissions from 2 submitters: Uncertain significance (2). Last evaluated 2022-04-14.

Conditions:
Early-infantile DEE. Also called: Ohtahara syndrome; Early infantile epileptic encephalopathy with suppression bursts; Early infantile epileptic encephalopathy. Identifiers: Orphanet 1934, MedGen C0393706, MONDO:0800491.

Submissions (2):

Greenwood Genetic Center Diagnostic Laboratories, Greenwood Genetic Center
Classification: Uncertain significance. Last evaluated: 2022-04-14. Review status: criteria provided, single submitter. Criteria: ACMG Guidelines, 2015. Collection method: clinical testing. Allele origin: germline. Affected: yes.
Comment: PM2

Labcorp Genetics (formerly Invitae), Labcorp
Classification: Uncertain significance for Early-infantile DEE. Last evaluated: 2020-03-06. Review status: criteria provided, single submitter. Criteria: Invitae Variant Classification Sherloc (09022015). Collection method: clinical testing. Allele origin: germline.
Comment: In summary, the available evidence is currently insufficient to determine the role of this variant in disease. Therefore, it has been classified as a Variant of Uncertain Significance. Nucleotide substitutions within the consensus splice site are a relatively common cause of aberrant splicing (PMID: 17576681, 9536098). Algorithms developed to predict the effect of sequence changes on RNA splicing suggest that this variant may disrupt the consensus splice site, but this prediction has not been confirmed by published transcriptional studies. This variant has not been reported in the literature in individuals with SCN1A-related disease. This variant is not present in population databases (ExAC no frequency). This sequence change falls in intron 18 of the SCN1A gene. It does not directly change the encoded amino acid sequence of the SCN1A protein, but it affects a nucleotide within the consensus splice site of the intron.

Literature cited by the submitters: PubMed 17576681 (cited by Labcorp Genetics (formerly Invitae), Labcorp); PubMed 9536098 (cited by Labcorp Genetics (formerly Invitae), Labcorp).